The following is an entry in ClinVar:

NM_014268.4(MAPRE2):c.473A>G (p.Tyr158Cys)

Gene: MAPRE2 (microtubule associated protein RP/EB family member 2; plus strand). Cytogenetic location: 18q12.2.
Variant type: single nucleotide variant.
Coding change: c.473A>G on transcript NM_014268.4 (MANE Select); coding-DNA position 473, A replaced by G.
Protein change: p.Tyr158Cys; replaces tyrosine 158 with cysteine.
Molecular consequence: missense variant. On other transcripts: non-coding transcript variant (1).
Genome position (GRCh38, 1-based): chr18:35,102,022, A>G. VCF-style: chr18-35102022-A-G. GRCh37 (hg19) VCF-style: chr18-32681986-A-G.
Other names: c.344A>G, p.Tyr115Cys (NM_001143826.3); c.437A>G, p.Tyr146Cys (NM_001143827.3); c.314A>G, p.Tyr105Cys (NM_001256420.2); short protein forms Y105C, Y115C, Y146C, Y158C.
Identifiers: ClinVar variation 3236062 (VCV003236062.1), dbSNP rs1569004058, ClinGen allele CA402276742.
Genomic context (GRCh38, chr18:35,102,022, plus strand): 5'-AGCTAGTGAAAGGACGTTTCCAGGACAACCTGGATTTTATTCAATGGTTTAAGAAATTCT[A>G]TGATGCTAACTACGATGGGAAGGAGTATGATCCTGTAGAGGCACGACAAGGGCAAGATGC-3'
Protein context (NP_055083.1, residues 148-168): LDFIQWFKKF[Tyr158Cys]DANYDGKEYD

ClinVar aggregate classification (germline): Uncertain significance (1 of 4 stars; one submission).

Conditions:
Skin creases, congenital symmetric circumferential, 2 (CSCSC2). Identifiers: MedGen C4225225, MONDO:0014755, OMIM 616734.

Allele frequency attached by ClinVar (database versions not stated): gnomAD exomes below 0.00001.
gnomAD v4.1: 2 of 1,613,518 alleles (0.00012%); highest among the groups gnomAD compares: Non-Finnish European, 0.00017%; no homozygotes.

Submission:

MVZ Medizinische Genetik Mainz
Classification: Uncertain significance for Skin creases, congenital symmetric circumferential, 2. Last evaluated: 2021-07-01. Review status: criteria provided, single submitter. Criteria: UK Practice Guidelines For Variant Classification V4 01 2020. Collection method: clinical testing. Allele origin: germline. Inheritance: Autosomal dominant inheritance. Affected: yes. Observed: 1 variant allele.
Comment: ACMG Criteria: PM1_SUP, PM2_SUP, PP2, PP3